The following is an entry in ClinVar:

ClinVar aggregate classification (germline): Uncertain significance. Review status: criteria provided, multiple submitters, no conflicts (2 of 4 stars). 2 submissions from 2 submitters: Uncertain significance (2). Last evaluated 2022-04-22.

Conditions:
Inborn genetic diseases. Identifiers: MedGen C0950123, MeSH D030342.

Allele frequency attached by ClinVar (database versions not stated): ExAC 0.00002; gnomAD exomes 0.00002; TOPMed 0.00005; ESP Exome Variant Server 0.00008; gnomAD 0.00008.

Submissions (2):

Labcorp Genetics (formerly Invitae), Labcorp
Classification: Uncertain significance. Last evaluated: 2022-04-22. Review status: criteria provided, single submitter. Criteria: Invitae Variant Classification Sherloc (09022015). Collection method: clinical testing. Allele origin: germline.
Comment: This sequence change replaces leucine, which is neutral and non-polar, with valine, which is neutral and non-polar, at codon 140 of the LRRK1 protein (p.Leu140Val). This variant is present in population databases (rs374355989, gnomAD 0.07%). This variant has not been reported in the literature in individuals affected with LRRK1-related conditions. Algorithms developed to predict the effect of missense changes on protein structure and function are either unavailable or do not agree on the potential impact of this missense change (SIFT: "Deleterious"; PolyPhen-2: "Probably Damaging"; Align-GVGD: "Class C0"). In summary, the available evidence is currently insufficient to determine the role of this variant in disease. Therefore, it has been classified as a Variant of Uncertain Significance.

Ambry Genetics
Classification: Uncertain significance for Inborn genetic diseases. Last evaluated: 2022-01-26. Review status: criteria provided, single submitter. Criteria: Ambry Variant Classification Scheme 2023. Collection method: clinical testing. Allele origin: germline.

NM_024652.6(LRRK1):c.418C>G (p.Leu140Val)

Gene: LRRK1 (leucine rich repeat kinase 1; plus strand). Cytogenetic location: 15q26.3.
Variant type: single nucleotide variant.
Coding change: c.418C>G on transcript NM_024652.6 (MANE Select); coding-DNA position 418, C replaced by G.
Protein change: p.Leu140Val; replaces leucine 140 with valine.
Molecular consequence: missense variant.
Genome position (GRCh38, 1-based): chr15:100,983,684, C>G. VCF-style: chr15-100983684-C-G. GRCh37 (hg19) VCF-style: chr15-101523889-C-G.
Other names: short protein forms L140V.
Identifiers: ClinVar variation 2058553 (VCV002058553.2), dbSNP rs374355989, ClinGen allele CA7760555.
Genomic context (GRCh38, chr15:100,983,684, plus strand): 5'-GATGACAACCCAGCCGTGGTGGCAGCGTATTTTGGACACACGGCAGTTGTGCAGGAATTG[C>G]TTGAGTCCTTACCAGGTAAATCACAGGGCATGAGCTCTTAACCGTGTCTCAGGGCACCCT-3'
Protein context (NP_078928.3, residues 130-150): FGHTAVVQEL[Leu140Val]ESLPGPCSPQ